The following is an entry in ClinVar:

ClinVar aggregate classification (germline): Conflicting classifications of pathogenicity. Review status: criteria provided, conflicting classifications (1 of 4 stars). 4 submissions from 4 submitters: Uncertain significance (1); Likely benign (2). 1 of the submissions does not count toward it. Last evaluated 2024-03-07.

Conditions:
Intellectual disability. Also called: intellectual disabilities; Intellectual functioning disability; Intellectual developmental disorder. Identifiers: HP:0002192, MedGen C3714756, MeSH D008607, MONDO:0001071.
CDH15-related disorder. Also called: CDH15-related condition.

Allele frequency attached by ClinVar (database versions not stated): gnomAD 0.00001 and 0.00005; TOPMed 0.00002; gnomAD exomes 0.00010 and 0.00021; ExAC 0.00039; 1000 Genomes Project 0.00040; 1000 Genomes Project 30x 0.00062.
gnomAD v4.1: 156 of 1,597,930 alleles (0.0098%); highest among the groups gnomAD compares: South Asian, 0.14%; no homozygotes.

Submissions (4):

Blueprint Genetics
Classification: Likely benign. Last evaluated: 2024-03-07. Review status: criteria provided, single submitter. Criteria: ACMG Guidelines, 2015. Collection method: clinical testing. Allele origin: germline.

Department of Pathology and Laboratory Medicine, Sinai Health System
Classification: Uncertain significance for intellectual disability. Last evaluated: 2023-01-21. Review status: criteria provided, single submitter. Criteria: ACMG Guidelines, 2015. Collection method: research. Allele origin: germline.

Genetic Services Laboratory, University of Chicago
Classification: Likely benign. Last evaluated: 2016-12-30. Review status: criteria provided, single submitter. Criteria: ACMG Guidelines, 2015. Collection method: clinical testing. Allele origin: germline. Affected: no.

PreventionGenetics, part of Exact Sciences
Classification: Likely benign for CDH15-related condition. Last evaluated: 2019-07-12. Review status: no assertion criteria provided. Collection method: clinical testing. Allele origin: germline. Not counted in ClinVar's aggregate classification.
Comment: This variant is classified as likely benign based on ACMG/AMP sequence variant interpretation guidelines (Richards et al. 2015 PMID: 25741868, with internal and published modifications).

NM_004933.3(CDH15):c.1211C>T (p.Thr404Ile)

Gene: CDH15 (cadherin 15; plus strand). Cytogenetic location: 16q24.3.
Variant type: single nucleotide variant.
Coding change: c.1211C>T on transcript NM_004933.3 (MANE Select); coding-DNA position 1211, C replaced by T.
Protein change: p.Thr404Ile; replaces threonine 404 with isoleucine.
Molecular consequence: missense variant.
Genome position (GRCh38, 1-based): chr16:89,190,475, C>T. VCF-style: chr16-89190475-C-T. GRCh37 (hg19) VCF-style: chr16-89256883-C-T.
Other names: short protein forms T404I.
Identifiers: ClinVar variation 434628 (VCV000434628.10), dbSNP rs374288437, ClinGen allele CA8239181.
Genomic context (GRCh38, chr16:89,190,475, plus strand): 5'-TAGCAGAGGGGGCACCCCCAGGCACTCTGGTGGCCACCTTCTCTGCCCGGGACCCTGACA[C>T]AGAGCAGCTGCAGAGGCTCAGGTGGGGCTCCTGAGGCCCTGGGAGAGGTAGAGGAGGCTA-3'
Protein context (NP_004924.1, residues 394-414): VATFSARDPD[Thr404Ile]EQLQRLSYSK